The following is an entry in ClinVar:

ClinVar aggregate classification (germline): Uncertain significance (1 of 4 stars; one submission).

gnomAD v4.1: 20 of 1,609,518 alleles (0.0012%); highest among the groups gnomAD compares: Non-Finnish European, 0.0016%; no homozygotes.

Submission:

Labcorp Genetics (formerly Invitae), Labcorp
Classification: Uncertain significance. Last evaluated: 2024-11-19. Review status: criteria provided, single submitter. Criteria: Invitae Variant Classification Sherloc (09022015). Collection method: clinical testing. Allele origin: germline.
Comment: This sequence change affects codon 283 of the SLC18A3 mRNA. It is a 'silent' change, meaning that it does not change the encoded amino acid sequence of the SLC18A3 protein. This variant is present in population databases (no rsID available, gnomAD 0.003%). This variant has not been reported in the literature in individuals affected with SLC18A3-related conditions. In summary, the available evidence is currently insufficient to determine the role of this variant in disease. Therefore, it has been classified as a Variant of Uncertain Significance.

NM_003055.3(SLC18A3):c.849C>T (p.His283=)

Genes: CHAT (choline O-acetyltransferase; plus strand), SLC18A3 (solute carrier family 18 member A3; plus strand). Cytogenetic location: 10q11.23.
Variant type: single nucleotide variant.
Coding change: c.849C>T on transcript NM_003055.3 (MANE Select); coding-DNA position 849, C replaced by T.
Protein change: p.His283=; no amino-acid change (histidine 283 retained).
Molecular consequence: synonymous variant. On other transcripts: intron variant (1).
Genome position (GRCh38, 1-based): chr10:49,611,589, C>T. VCF-style: chr10-49611589-C-T. GRCh37 (hg19) VCF-style: chr10-50819635-C-T.
Other names: c.-69+2390C>T (NM_020984.4).
Identifiers: ClinVar variation 3628690 (VCV003628690.1).